The following is an entry in ClinVar:

ClinVar aggregate classification (germline): Pathogenic. Review status: criteria provided, multiple submitters, no conflicts (2 of 4 stars). 3 submissions from 3 submitters: Pathogenic (3). Last evaluated 2024-02-24.

Conditions:
GRM6-related disorders.
Congenital stationary night blindness 1B. Also called: NIGHT BLINDNESS, CONGENITAL STATIONARY, COMPLETE, AUTOSOMAL RECESSIVE; Night blindness, congenital stationary (complete), 1B, autosomal recessive. Identifiers: Orphanet 215, MedGen C1850362, MONDO:0009758, OMIM 257270.

Allele frequency attached by ClinVar (database versions not stated): gnomAD 0.00001; TOPMed 0.00003.
gnomAD v4.1: 31 of 1,613,150 alleles (0.0019%); highest among the groups gnomAD compares: South Asian, 0.018%; 1 homozygote.

Submissions (3):

Labcorp Genetics (formerly Invitae), Labcorp
Classification: Pathogenic. Last evaluated: 2024-02-24. Review status: criteria provided, single submitter. Criteria: Invitae Variant Classification Sherloc (09022015). Collection method: clinical testing. Allele origin: germline.
Comment: This sequence change creates a premature translational stop signal (p.Arg446*) in the GRM6 gene. It is expected to result in an absent or disrupted protein product. Loss-of-function variants in GRM6 are known to be pathogenic (PMID: 15781871, 16622103, 22008250). This variant is present in population databases (rs764476239, gnomAD 0.01%). This premature translational stop signal has been observed in individual(s) with congenital stationary night blindness (PMID: 25307992, 26628857). It has also been observed to segregate with disease in related individuals. ClinVar contains an entry for this variant (Variation ID: 1072852). For these reasons, this variant has been classified as Pathogenic.

Blueprint Genetics
Classification: Pathogenic for GRM6-related disorders. Last evaluated: 2022-12-27. Review status: criteria provided, single submitter. Criteria: ACMG Guidelines, 2015. Collection method: clinical testing. Allele origin: germline. Affected: yes. Observed: 3 variant alleles.

3billion
Classification: Pathogenic for Congenital stationary night blindness 1B. Last evaluated: 2022-01-03. Review status: criteria provided, single submitter. Criteria: ACMG Guidelines, 2015. Collection method: clinical testing. Allele origin: germline. Affected: yes. Observed: 1 homozygote.
Comment: Stop-gained (nonsense): predicted to result in a loss or disruption of normal protein function through nonsense-mediated decay (NMD) or protein truncation. Multiple pathogenic variants are reported downstream of the variant (PVS1_VS).The variant has been reported to be associated with GRM6 related disorder (ClinVar ID: VCV001072852, PMID:25307992).It is observed at an extremely low frequency in the gnomAD v2.1.1 dataset (total allele frequency: 0.000016, PM2_M). Therefore, this variant is classified as pathogenic according to the recommendation of ACMG/AMP guideline.

Literature cited by the submitters: PubMed 15781871 (cited by Labcorp Genetics (formerly Invitae), Labcorp); PubMed 16622103 (cited by Labcorp Genetics (formerly Invitae), Labcorp); PubMed 22008250 (cited by Labcorp Genetics (formerly Invitae), Labcorp); PubMed 25307992 (cited by Labcorp Genetics (formerly Invitae), Labcorp and 3billion); PubMed 26628857 (cited by Labcorp Genetics (formerly Invitae), Labcorp).

NM_000843.4(GRM6):c.1336C>T (p.Arg446Ter)

Genes: GRM6 (glutamate metabotropic receptor 6; minus strand), ZNF454 (zinc finger protein 454; plus strand). Cytogenetic location: 5q35.3.
Variant type: single nucleotide variant.
Coding change: c.1336C>T on transcript NM_000843.4 (MANE Select); coding-DNA position 1336, C replaced by T.
Protein change: p.Arg446Ter; replaces arginine 446 with a stop codon.
Molecular consequence: nonsense.
Genome position (GRCh38, 1-based): chr5:178,988,953, G>A on the plus strand (C>T on the coding strand, the complement: GRM6 is on the minus strand). VCF-style: chr5-178988953-G-A. GRCh37 (hg19) VCF-style: chr5-178415954-G-A.
Other names: short protein forms R446*.
Identifiers: ClinVar variation 1072852 (VCV001072852.8), dbSNP rs764476239, ClinGen allele CA3594121.